The following is an entry in ClinVar:

NM_032043.3(BRIP1):c.3411_3413delinsCGG (p.Asp1138Gly)

Gene: BRIP1 (BRCA1 interacting DNA helicase 1; minus strand). Cytogenetic location: 17q23.2.
Variant type: Indel.
Coding change: c.3411_3413delinsCGG on transcript NM_032043.3 (MANE Select); coding-DNA positions 3411 to 3413, TGA replaced by CGG.
Protein change: p.Asp1138Gly; replaces aspartic acid 1138 with glycine.
Molecular consequence: missense variant.
Genome position (GRCh38, 1-based): chr17:61,683,633-61,683,635, TCA replaced by CCG on the plus strand (TGA replaced by CGG on the coding strand, the reverse complement: BRIP1 is on the minus strand). VCF-style: chr17-61683633-TCA-CCG. GRCh37 (hg19) VCF-style: chr17-59760994-TCA-CCG.
Other names: short protein forms D1138G.
Identifiers: ClinVar variation 3228127 (VCV003228127.1), dbSNP rs2544556181, ClinGen allele CA2825002549.

ClinVar aggregate classification (germline): Uncertain significance (1 of 4 stars; one submission).

Conditions:
Hereditary cancer-predisposing syndrome. Also called: Neoplastic Syndromes, Hereditary; Tumor predisposition; Hereditary neoplastic syndrome; Hereditary Cancer Syndrome. Identifiers: Orphanet 140162, MedGen C0027672, MeSH D009386, MONDO:0015356.

Submission:

Ambry Genetics
Classification: Uncertain significance for Hereditary cancer-predisposing syndrome. Last evaluated: 2023-12-28. Review status: criteria provided, single submitter. Criteria: Ambry Variant Classification Scheme 2023. Collection method: clinical testing. Allele origin: germline.
Comment: The c.3411_3413delTGAinsCGG variant, located in coding exon 19 of the BRIP1 gene, results from an in-frame deletion of TGA and insertion of CGG at nucleotide positions 3411 to 3413. This results in the substitution of the aspartic acid residue for a glycine residue at codon 1138, an amino acid with similar properties. This amino acid position is highly conserved in available vertebrate species. Since supporting evidence is limited at this time, the clinical significance of this alteration remains unclear.